The following is an entry in ClinVar:

ClinVar aggregate classification (germline): Uncertain significance (1 of 4 stars; one submission).

gnomAD v4.1: 1 of 1,610,034 alleles (0.000062%); highest among the groups gnomAD compares: Middle Eastern, 0.017%; no homozygotes.

Submission:

Ambry Genetics
Classification: Uncertain significance. Last evaluated: 2022-04-12. Review status: criteria provided, single submitter. Criteria: Ambry Variant Classification Scheme 2023. Collection method: clinical testing. Allele origin: germline.
Comment: The p.T52S variant (also known as c.154A>T), located in coding exon 1 of the TERF2IP gene, results from an A to T substitution at nucleotide position 154. The threonine at codon 52 is replaced by serine, an amino acid with similar properties. This amino acid position is conserved. In addition, this alteration is predicted to be tolerated by in silico analysis. Since supporting evidence is limited at this time, the clinical significance of this alteration remains unclear.

NM_018975.4(TERF2IP):c.154A>T (p.Thr52Ser)

Gene: TERF2IP (TERF2 interacting protein; plus strand). Cytogenetic location: 16q23.1.
Variant type: single nucleotide variant.
Coding change: c.154A>T on transcript NM_018975.4 (MANE Select); coding-DNA position 154, A replaced by T.
Protein change: p.Thr52Ser; replaces threonine 52 with serine.
Molecular consequence: missense variant. On other transcripts: non-coding transcript variant (1).
Genome position (GRCh38, 1-based): chr16:75,648,036, A>T. VCF-style: chr16-75648036-A-T. GRCh37 (hg19) VCF-style: chr16-75681934-A-T.
Other names: short protein forms T52S.
Identifiers: ClinVar variation 1775008 (VCV001775008.2), dbSNP rs1597183021, ClinGen allele CA396817334.